The following is an entry in ClinVar:

ClinVar aggregate classification (germline): Likely benign (0 of 4 stars; one submission).

Conditions:
KCNQ3-related disorder. Also called: KCNQ3-Related Disorders; KCNQ3-related condition. Identifiers: MedGen CN381530.

gnomAD v4.1: 45 of 902,474 alleles (0.005%); highest among the groups gnomAD compares: Admixed American, 0.016%; 1 homozygote.

Submission:

PreventionGenetics, part of Exact Sciences
Classification: Likely benign for KCNQ3-related condition. Last evaluated: 2021-05-05. Review status: no assertion criteria provided. Collection method: clinical testing. Allele origin: germline.
Comment: This variant is classified as likely benign based on ACMG/AMP sequence variant interpretation guidelines (Richards et al. 2015 PMID: 25741868, with internal and published modifications).

NM_004519.4(KCNQ3):c.-145G>T

Gene: KCNQ3 (potassium voltage-gated channel subfamily Q member 3; minus strand). Cytogenetic location: 8q24.22.
Variant type: single nucleotide variant.
Coding change: c.-145G>T on transcript NM_004519.4 (MANE Select); 145 bases upstream of the start codon, G replaced by T.
Molecular consequence: 5 prime UTR variant.
Genome position (GRCh38, 1-based): chr8:132,480,677, C>A on the plus strand (G>T on the coding strand, the complement: KCNQ3 is on the minus strand). VCF-style: chr8-132480677-C-A. GRCh37 (hg19) VCF-style: chr8-133492924-C-A.
Identifiers: ClinVar variation 3029160 (VCV003029160.2), dbSNP rs1053739705, ClinGen allele CA186258345.